The following is an entry in ClinVar:

NM_001042492.3(NF1):c.4296A>G (p.Pro1432=)

Gene: NF1 (neurofibromin 1; plus strand). Cytogenetic location: 17q11.2.
Variant type: single nucleotide variant.
Coding change: c.4296A>G on transcript NM_001042492.3 (MANE Select); coding-DNA position 4296, A replaced by G.
Protein change: p.Pro1432=; no amino-acid change (proline 1432 retained).
Molecular consequence: synonymous variant.
Genome position (GRCh38, 1-based): chr17:31,258,466, A>G. VCF-style: chr17-31258466-A-G. GRCh37 (hg19) VCF-style: chr17-29585484-A-G.
Other names: c.4233A>G, p.Pro1411= (NM_000267.4).
Identifiers: ClinVar variation 824703 (VCV000824703.12), dbSNP rs864622492, ClinGen allele CA499233521.

ClinVar aggregate classification (germline): Benign/Likely benign. Review status: criteria provided, multiple submitters, no conflicts (2 of 4 stars). 4 submissions from 4 submitters: Benign (1); Likely benign (3). Last evaluated 2026-05-19.

Conditions:
Cardiovascular phenotype. Identifiers: MedGen CN230736.
Hereditary cancer-predisposing syndrome. Also called: Tumor predisposition; Hereditary Cancer Syndrome; Hereditary neoplastic syndrome; Neoplastic Syndromes, Hereditary. Identifiers: Orphanet 140162, MedGen C0027672, MeSH D009386, MONDO:0015356.
Neurofibromatosis, type 1 (NF1). Also called: NEUROFIBROMATOSIS, TYPE I, SOMATIC; Peripheral type neurofibromatosis; VON RECKLINGHAUSEN DISEASE; Neurofibromatosis, type I. Identifiers: Orphanet 636, MedGen C0027831, MONDO:0018975, OMIM 162200. Disease mechanism: loss of function.

Allele frequency attached by ClinVar (database versions not stated): gnomAD 0.00001.
gnomAD v4.1: 1 of 1,613,864 alleles (0.000062%); highest among the groups gnomAD compares: Admixed American, 0.0017%; no homozygotes.

Submissions (4):

Myriad Genetics, Inc.
Classification: Benign for Neurofibromatosis, type 1. Last evaluated: 2026-05-19. Review status: criteria provided, single submitter. Criteria: Myriad Autosomal Dominant, Autosomal Recessive and X-Linked Classification Criteria (2023). Collection method: clinical testing. Allele origin: unknown.
Comment: This variant is considered benign. This variant is a silent/synonymous amino acid change and it is not expected to impact splicing.

Labcorp Genetics (formerly Invitae), Labcorp
Classification: Likely benign for Neurofibromatosis, type 1. Last evaluated: 2026-01-02. Review status: criteria provided, single submitter. Criteria: Invitae Variant Classification Sherloc (09022015). Collection method: clinical testing. Allele origin: germline.

Genome-Nilou Lab
Classification: Likely benign for Neurofibromatosis, type 1. Last evaluated: 2022-03-15. Review status: criteria provided, single submitter. Criteria: ACMG Guidelines, 2015. Collection method: clinical testing. Allele origin: germline. Affected: no.

Ambry Genetics
Classification: Likely benign for Cardiovascular phenotype; Hereditary cancer-predisposing syndrome. Last evaluated: 2019-03-13. Review status: criteria provided, single submitter. Criteria: Ambry Variant Classification Scheme 2023. Collection method: clinical testing. Allele origin: germline.